The following is an entry in ClinVar:

NM_025136.4(OPA3):c.*1761A>T

Genes: OPA3 (outer mitochondrial membrane lipid metabolism regulator OPA3; minus strand), OPA3-RTN2 (OPA3-RTN2 readthrough; minus strand). Cytogenetic location: 19q13.32.
Variant type: single nucleotide variant.
Coding change: c.*1761A>T on transcript NM_025136.4 (MANE Select); 1761 bases downstream of the stop codon, A replaced by T.
Molecular consequence: 3 prime UTR variant. On other transcripts: intron variant (1).
Genome position (GRCh38, 1-based): chr19:45,551,753, T>A on the plus strand (A>T on the coding strand, the complement: OPA3 is on the minus strand). VCF-style: chr19-45551753-T-A. GRCh37 (hg19) VCF-style: chr19-46055011-T-A.
Other names: c.143-22297A>T (NM_001017989.3).
Identifiers: ClinVar variation 894123 (VCV000894123.4), dbSNP rs141446737, ClinGen allele CA308957072.

ClinVar aggregate classification (germline): Conflicting classifications of pathogenicity. Review status: criteria provided, conflicting classifications (1 of 4 stars). 2 submissions from 1 submitter: Uncertain significance (1); Benign (1). Last evaluated 2018-01-13.

Conditions:
3-Methylglutaconic aciduria type 3 (MGCA3). Also called: OPA3, AUTOSOMAL RECESSIVE; OPA3-Related 3-Methylglutaconic Aciduria; Costeff Syndrome; OPTIC ATROPHY 3, AUTOSOMAL RECESSIVE. Identifiers: Orphanet 67047, MedGen C0574084, MONDO:0009787, OMIM 258501.
Optic atrophy 3 (OPA3). Also called: OPTIC ATROPHY 3, AUTOSOMAL DOMINANT; Optic atrophy, cataract, and neurologic disorder; Optic atrophy 3 with cataract. Identifiers: Orphanet 67036, MedGen C1833809, MONDO:0008133, OMIM 165300.

Allele frequency attached by ClinVar (database versions not stated): 1000 Genomes Project 30x 0.00031; 1000 Genomes Project 0.00040; TOPMed 0.00058.
gnomAD v4.1: 796 of 985,526 alleles (0.081%); highest among the groups gnomAD compares: Non-Finnish European, 0.092%; 1 homozygote.

Submissions (2):

Illumina Laboratory Services, Illumina
Classification: Uncertain significance for 3-Methylglutaconic aciduria type 3. Last evaluated: 2018-01-13. Review status: criteria provided, single submitter. Criteria: ICSL Variant Classification Criteria 13 December 2019. Collection method: clinical testing. Allele origin: germline.

Illumina Laboratory Services, Illumina
Classification: Benign for Optic atrophy 3. Last evaluated: 2018-01-13. Review status: criteria provided, single submitter. Criteria: ICSL Variant Classification Criteria 13 December 2019. Collection method: clinical testing. Allele origin: germline.
Comment: This variant was observed in the ICSL laboratory as part of a predisposition screen in an ostensibly healthy population. It had not been previously curated by ICSL or reported in the Human Gene Mutation Database (HGMD: prior to June 1st, 2018), and was therefore a candidate for classification through an automated scoring system. Utilizing variant allele frequency, disease prevalence and penetrance estimates, and inheritance mode, an automated score was calculated to assess if this variant is too frequent to cause the disease. Based on the score and internal cut-off values, a variant classified as benign is not then subjected to further curation. The score for this variant resulted in a classification of benign for this disease.